The following is an entry in ClinVar:

NM_001009999.3(KDM1A):c.1262A>G (p.Asp421Gly)

Gene: KDM1A (lysine demethylase 1A; plus strand). Cytogenetic location: 1p36.12.
Variant type: single nucleotide variant.
Coding change: c.1262A>G on transcript NM_001009999.3 (MANE Select); coding-DNA position 1262, A replaced by G.
Protein change: p.Asp421Gly; replaces aspartic acid 421 with glycine.
Molecular consequence: missense variant.
Genome position (GRCh38, 1-based): chr1:23,068,621, A>G. VCF-style: chr1-23068621-A-G. GRCh37 (hg19) VCF-style: chr1-23395114-A-G.
Other names: c.1190A>G, p.Asp397Gly (NM_001363654.2, NM_001410763.1, NM_015013.4); c.1250A>G, p.Asp417Gly (NM_001410762.1); short protein forms D397G, D421G, D417G.
Identifiers: ClinVar variation 4042163 (VCV004042163.1).

ClinVar aggregate classification (germline): Uncertain significance (1 of 4 stars; one submission).

Conditions:
Inborn genetic diseases. Identifiers: MedGen C0950123, MeSH D030342.

Submission:

Ambry Genetics
Classification: Uncertain significance for Inborn genetic diseases. Last evaluated: 2025-05-29. Review status: criteria provided, single submitter. Criteria: Ambry Variant Classification Scheme 2023. Collection method: clinical testing. Allele origin: germline.
Comment: The p.D421G variant (also known as c.1262A>G), located in coding exon 11 of the KDM1A gene, results from an A to G substitution at nucleotide position 1262. The aspartic acid at codon 421 is replaced by glycine, an amino acid with similar properties. This amino acid position is conserved. In addition, this alteration is predicted to be deleterious by in silico analysis. Based on the available evidence, the clinical significance of this variant remains unclear.